The following is an entry in ClinVar:

NM_018941.4(CLN8):c.290G>T (p.Arg97Leu)

Gene: CLN8 (CLN8 transmembrane ER and ERGIC protein; plus strand). Cytogenetic location: 8p23.3.
Variant type: single nucleotide variant.
Coding change: c.290G>T on transcript NM_018941.4 (MANE Select); coding-DNA position 290, G replaced by T.
Protein change: p.Arg97Leu; replaces arginine 97 with leucine.
Molecular consequence: missense variant.
Genome position (GRCh38, 1-based): chr8:1,771,344, G>T. VCF-style: chr8-1771344-G-T. GRCh37 (hg19) VCF-style: chr8-1719510-G-T.
Other names: short protein forms R97L.
Identifiers: ClinVar variation 852104 (VCV000852104.4), dbSNP rs116605307, ClinGen allele CA369953250.

ClinVar aggregate classification (germline): Uncertain significance (1 of 4 stars; one submission).

Conditions:
Neuronal ceroid lipofuscinosis. Also called: Neuronal Ceroid Lipofuscinoses. Identifiers: Orphanet 216, Orphanet 79263, MedGen C0027877, MONDO:0016295. Disease mechanism: loss of function.

gnomAD v4.1: 6 of 1,614,204 alleles (0.00037%); highest among the groups gnomAD compares: Non-Finnish European, 0.00051%; no homozygotes.

Submission:

Labcorp Genetics (formerly Invitae), Labcorp
Classification: Uncertain significance for Neuronal ceroid lipofuscinosis. Last evaluated: 2021-08-24. Review status: criteria provided, single submitter. Criteria: Invitae Variant Classification Sherloc (09022015). Collection method: clinical testing. Allele origin: germline.
Comment: This sequence change replaces arginine with leucine at codon 97 of the CLN8 protein (p.Arg97Leu). The arginine residue is weakly conserved and there is a moderate physicochemical difference between arginine and leucine. This variant is not present in population databases (ExAC no frequency). This variant has not been reported in the literature in individuals affected with CLN8-related conditions. Algorithms developed to predict the effect of missense changes on protein structure and function output the following: SIFT: "Tolerated"; PolyPhen-2: "Benign"; Align-GVGD: "Class C0". The leucine amino acid residue is found in multiple mammalian species, which suggests that this missense change does not adversely affect protein function. In summary, the available evidence is currently insufficient to determine the role of this variant in disease. Therefore, it has been classified as a Variant of Uncertain Significance.